The following is an entry in ClinVar:

NM_001127198.5(TMC6):c.386G>A (p.Arg129His)

Gene: TMC6 (transmembrane channel like 6; minus strand). Cytogenetic location: 17q25.3.
Variant type: single nucleotide variant.
Coding change: c.386G>A on transcript NM_001127198.5 (MANE Select); coding-DNA position 386, G replaced by A.
Protein change: p.Arg129His; replaces arginine 129 with histidine.
Molecular consequence: missense variant. On other transcripts: non-coding transcript variant (4).
Genome position (GRCh38, 1-based): chr17:78,125,770, C>T on the plus strand (G>A on the coding strand, the complement: TMC6 is on the minus strand). VCF-style: chr17-78125770-C-T. GRCh37 (hg19) VCF-style: chr17-76121851-C-T.
Other names: c.386G>A, p.Arg129His (NM_001321185.1, NM_001374593.1, NM_001374594.1 and 4 more transcripts); short protein forms R129H.
Identifiers: ClinVar variation 658774 (VCV000658774.10), dbSNP rs367594085, ClinGen allele CA8796145.

ClinVar aggregate classification (germline): Uncertain significance (1 of 4 stars; one submission).

Conditions:
Epidermodysplasia verruciformis. Identifiers: Orphanet 302, MedGen C0014522, MONDO:0009176.

Allele frequency attached by ClinVar (database versions not stated): ESP Exome Variant Server 0.00016; ExAC 0.00017; gnomAD 0.00023 and 0.00025; TOPMed 0.00025; 1000 Genomes Project 0.00040; 1000 Genomes Project 30x 0.00047.

Submission:

Labcorp Genetics (formerly Invitae), Labcorp
Classification: Uncertain significance for Epidermodysplasia verruciformis. Last evaluated: 2024-11-18. Review status: criteria provided, single submitter. Criteria: Invitae Variant Classification Sherloc (09022015). Collection method: clinical testing. Allele origin: germline.
Comment: This sequence change replaces arginine, which is basic and polar, with histidine, which is basic and polar, at codon 129 of the TMC6 protein (p.Arg129His). The frequency data for this variant in the population databases is considered unreliable, as metrics indicate poor data quality at this position in the gnomAD database. This variant has not been reported in the literature in individuals affected with TMC6-related conditions. ClinVar contains an entry for this variant (Variation ID: 658774). An algorithm developed to predict the effect of missense changes on protein structure and function (PolyPhen-2) suggests that this variant is likely to be disruptive. In summary, the available evidence is currently insufficient to determine the role of this variant in disease. Therefore, it has been classified as a Variant of Uncertain Significance.